The following is an entry in ClinVar:

NM_003331.5(TYK2):c.248T>C (p.Val83Ala)

Gene: TYK2 (tyrosine kinase 2; minus strand). Cytogenetic location: 19p13.2.
Variant type: single nucleotide variant.
Coding change: c.248T>C on transcript NM_003331.5 (MANE Select); coding-DNA position 248, T replaced by C.
Protein change: p.Val83Ala; replaces valine 83 with alanine.
Molecular consequence: missense variant.
Genome position (GRCh38, 1-based): chr19:10,368,364, A>G on the plus strand (T>C on the coding strand, the complement: TYK2 is on the minus strand). VCF-style: chr19-10368364-A-G. GRCh37 (hg19) VCF-style: chr19-10479040-A-G.
Other names: c.248T>C, p.Val83Ala (NM_001385197.1, NM_001385198.1, NM_001385199.1 and 8 more transcripts); short protein forms V83A.
Identifiers: ClinVar variation 1428003 (VCV001428003.5), dbSNP rs1407281800, ClinGen allele CA404020245.

ClinVar aggregate classification (germline): Uncertain significance (1 of 4 stars; one submission).

Conditions:
Immunodeficiency 35 (IMD35). Also called: TYK2 DEFICIENCY; Susceptibility to infection due to TYK2 deficiency; HIES WITH ATYPICAL MYCOBACTERIOSIS, AUTOSOMAL RECESSIVE; HYPER-IgE SYNDROME WITH ATYPICAL MYCOBACTERIOSIS, AUTOSOMAL RECESSIVE. Identifiers: Orphanet 331226, MedGen C1969086, MONDO:0012682, OMIM 611521.

Allele frequency attached by ClinVar (database versions not stated): TOPMed below 0.00001; gnomAD exomes 0.00001 and 0.00002.
gnomAD v4.1: 4 of 1,614,116 alleles (0.00025%); highest among the groups gnomAD compares: Admixed American, 0.0067%; no homozygotes.

Submission:

Labcorp Genetics (formerly Invitae), Labcorp
Classification: Uncertain significance for Immunodeficiency 35. Last evaluated: 2021-07-27. Review status: criteria provided, single submitter. Criteria: Invitae Variant Classification Sherloc (09022015). Collection method: clinical testing. Allele origin: germline.
Comment: In summary, the available evidence is currently insufficient to determine the role of this variant in disease. Therefore, it has been classified as a Variant of Uncertain Significance. Algorithms developed to predict the effect of missense changes on protein structure and function are either unavailable or do not agree on the potential impact of this missense change (SIFT: "Not Available"; PolyPhen-2: "Benign"; Align-GVGD: "Not Available"). This variant has not been reported in the literature in individuals affected with TYK2-related conditions. This variant is not present in population databases (ExAC no frequency). This sequence change replaces valine with alanine at codon 83 of the TYK2 protein (p.Val83Ala). The valine residue is moderately conserved and there is a small physicochemical difference between valine and alanine.